The following is an entry in ClinVar:

NM_001374736.1(DST):c.13028-161A>G

Gene: DST (dystonin; minus strand). Cytogenetic location: 6p12.1.
Variant type: single nucleotide variant.
Coding change: c.13028-161A>G on transcript NM_001374736.1 (MANE Select); 161 bases into the intron before coding-DNA position 13028, A replaced by G.
Molecular consequence: intron variant.
Genome position (GRCh38, 1-based): chr6:56,574,048, T>C on the plus strand (A>G on the coding strand, the complement: DST is on the minus strand). VCF-style: chr6-56574048-T-C. GRCh37 (hg19) VCF-style: chr6-56438846-T-C.
Other names: c.6671-161A>G (NM_001144769.5); c.13028-161A>G (NM_001374722.1); c.13055-161A>G (NM_001374734.1); c.6257-161A>G (NM_001144770.2); c.6137-161A>G (NM_001374730.1, NM_001386100.1, NM_183380.4); c.12395-161A>G (NM_001374729.1); c.5159-161A>G (NM_015548.5).
Identifiers: ClinVar variation 1684099 (VCV001684099.2), dbSNP rs115635220, ClinGen allele CA139213614.

ClinVar aggregate classification (germline): Likely benign (1 of 4 stars; one submission).

Allele frequency attached by ClinVar (database versions not stated): gnomAD 0.00970 and 0.01048; TOPMed 0.01088; 1000 Genomes Project 0.01218; 1000 Genomes Project 30x 0.01359.
gnomAD v4.1: 1,463 of 152,172 alleles (0.96%); highest among the groups gnomAD compares: African/African-American, 3.3%; 23 homozygotes.

Submission:

GeneDx
Classification: Likely benign. Last evaluated: 2021-11-12. Review status: criteria provided, single submitter. Criteria: GeneDx Variant Classification Process June 2021. Collection method: clinical testing. Allele origin: germline. Affected: yes.
Comment: See Variant Classification Assertion Criteria.